The following is an entry in ClinVar:

ClinVar aggregate classification (germline): Uncertain significance. Review status: criteria provided, multiple submitters, no conflicts (2 of 4 stars). 3 submissions from 3 submitters: Uncertain significance (3). Last evaluated 2026-03-11.

Conditions:
PDZD7-related disorder. Also called: PDZD7-related condition; PDZD7-related disorders.

Allele frequency attached by ClinVar (database versions not stated): TOPMed 0.00003; gnomAD 0.00005; gnomAD exomes 0.00005.
gnomAD v4.1: 44 of 1,535,830 alleles (0.0029%); highest among the groups gnomAD compares: East Asian, 0.0098%; no homozygotes.

Submissions (3):

PreventionGenetics, part of Exact Sciences
Classification: Uncertain significance for PDZD7-related condition. Last evaluated: 2026-03-11. Review status: criteria provided, single submitter. Criteria: ACMG Guidelines, 2015. Collection method: clinical testing. Allele origin: germline.
Comment: The PDZD7 c.2629T>G variant is predicted to result in the amino acid substitution p.Ser877Ala. To our knowledge, this variant has not been reported in the literature. This variant is reported in 0.010% of alleles in individuals of European (Non-Finnish) descent in gnomAD. At this time, the clinical significance of this variant is uncertain due to the absence of conclusive functional and genetic evidence.

Blueprint Genetics
Classification: Uncertain significance. Last evaluated: 2024-02-15. Review status: criteria provided, single submitter. Criteria: ACMG Guidelines, 2015. Collection method: clinical testing. Allele origin: germline.

Labcorp Genetics (formerly Invitae), Labcorp
Classification: Uncertain significance. Last evaluated: 2022-10-24. Review status: criteria provided, single submitter. Criteria: Invitae Variant Classification Sherloc (09022015). Collection method: clinical testing. Allele origin: germline.
Comment: This sequence change replaces serine, which is neutral and polar, with alanine, which is neutral and non-polar, at codon 877 of the PDZD7 protein (p.Ser877Ala). This variant is present in population databases (no rsID available, gnomAD 0.02%). This variant has not been reported in the literature in individuals affected with PDZD7-related conditions. ClinVar contains an entry for this variant (Variation ID: 1473550). Algorithms developed to predict the effect of missense changes on protein structure and function are either unavailable or do not agree on the potential impact of this missense change (SIFT: "Tolerated"; PolyPhen-2: "Not Available"; Align-GVGD: "Class C0"). In summary, the available evidence is currently insufficient to determine the role of this variant in disease. Therefore, it has been classified as a Variant of Uncertain Significance.

NM_001195263.2(PDZD7):c.2629T>G (p.Ser877Ala)

Gene: PDZD7 (PDZ domain containing 7; minus strand). Cytogenetic location: 10q24.31.
Variant type: single nucleotide variant.
Coding change: c.2629T>G on transcript NM_001195263.2 (MANE Select); coding-DNA position 2629, T replaced by G.
Protein change: p.Ser877Ala; replaces serine 877 with alanine.
Molecular consequence: missense variant.
Genome position (GRCh38, 1-based): chr10:101,009,339, A>C on the plus strand (T>G on the coding strand, the complement: PDZD7 is on the minus strand). VCF-style: chr10-101009339-A-C. GRCh37 (hg19) VCF-style: chr10-102769096-A-C.
Other names: c.2629T>G (NM_001195263.1); short protein forms S877A.
Identifiers: ClinVar variation 1473550 (VCV001473550.5), dbSNP rs937643817, ClinGen allele CA212977732.